The following is an entry in ClinVar:

NM_001048174.2(MUTYH):c.922A>C (p.Thr308Pro)

Gene: MUTYH (mutY DNA glycosylase; minus strand). Cytogenetic location: 1p34.1.
Variant type: single nucleotide variant.
Coding change: c.922A>C on transcript NM_001048174.2 (MANE Select); coding-DNA position 922, A replaced by C.
Protein change: p.Thr308Pro; replaces threonine 308 with proline.
Molecular consequence: missense variant. On other transcripts: non-coding transcript variant (7).
Genome position (GRCh38, 1-based): chr1:45,331,841, T>G on the plus strand (A>C on the coding strand, the complement: MUTYH is on the minus strand). VCF-style: chr1-45331841-T-G. GRCh37 (hg19) VCF-style: chr1-45797513-T-G.
Other names: c.1006A>C, p.Thr336Pro (NM_001128425.2); c.967A>C, p.Thr323Pro (NM_001293190.2); c.955A>C, p.Thr319Pro (NM_001293191.2, NM_001407069.1, NM_001407077.1); c.646A>C, p.Thr216Pro (NM_001293192.2, NM_001293196.2, NM_001407091.1); c.922A>C, p.Thr308Pro (NM_001293195.2, NM_001407081.1, NM_001407088.1 and 6 more transcripts); c.577A>C, p.Thr193Pro (NM_001350650.2, NM_001407082.1, NM_001350651.2); c.880A>C, p.Thr294Pro (NM_001407080.1); c.964A>C, p.Thr322Pro (NM_001407083.1, NM_001407085.1); and 5 more; short protein forms T193P, T280P, T308P, T319P, T323P, T295P, T216P, T294P.
Identifiers: ClinVar variation 4112913 (VCV004112913.1).

ClinVar aggregate classification (germline): Uncertain significance (1 of 4 stars; one submission).

Conditions:
Hereditary cancer-predisposing syndrome. Also called: Tumor predisposition; Neoplastic Syndromes, Hereditary; Hereditary neoplastic syndrome; Hereditary Cancer Syndrome. Identifiers: Orphanet 140162, MedGen C0027672, MeSH D009386, MONDO:0015356.

Submission:

Ambry Genetics
Classification: Uncertain significance for Hereditary cancer-predisposing syndrome. Last evaluated: 2025-08-27. Review status: criteria provided, single submitter. Criteria: Ambry Variant Classification Scheme 2023. Collection method: clinical testing. Allele origin: germline.
Comment: The p.T336P variant (also known as c.1006A>C), located in coding exon 12 of the MUTYH gene, results from an A to C substitution at nucleotide position 1006. The threonine at codon 336 is replaced by proline, an amino acid with highly similar properties. This amino acid position is conserved. In addition, this alteration is predicted to be tolerated by in silico analysis. Based on the available evidence, the clinical significance of this variant remains unclear.